The following is an entry in ClinVar:

ClinVar aggregate classification (germline): Uncertain significance (1 of 4 stars; one submission).

Submission:

GeneDx
Classification: Uncertain significance. Last evaluated: 2022-02-28. Review status: criteria provided, single submitter. Criteria: GeneDx Variant Classification Process June 2021. Collection method: clinical testing. Allele origin: germline. Affected: yes.
Comment: Not observed at significant frequency in large population cohorts (gnomAD); In silico analysis supports that this missense variant does not alter protein structure/function; Has not been previously published as pathogenic or benign to our knowledge; This variant is associated with the following publications: (PMID: 28545555)

NM_152703.5(SAMD9L):c.2866G>A (p.Glu956Lys)

Gene: SAMD9L (sterile alpha motif domain containing 9 like; minus strand). Cytogenetic location: 7q21.2.
Variant type: single nucleotide variant.
Coding change: c.2866G>A on transcript NM_152703.5 (MANE Select); coding-DNA position 2866, G replaced by A.
Protein change: p.Glu956Lys; replaces glutamic acid 956 with lysine.
Molecular consequence: missense variant.
Genome position (GRCh38, 1-based): chr7:93,133,106, C>T on the plus strand (G>A on the coding strand, the complement: SAMD9L is on the minus strand). VCF-style: chr7-93133106-C-T. GRCh37 (hg19) VCF-style: chr7-92762419-C-T.
Other names: c.2866G>A, p.Glu956Lys (NM_001303496.3, NM_001303497.3, NM_001303498.3 and 5 more transcripts); short protein forms E956K.
Identifiers: ClinVar variation 1703992 (VCV001703992.2), dbSNP rs2535416802, ClinGen allele CA368186228.
Genomic context (GRCh38, chr7:93,133,106, plus strand): 5'-CTTCTGTTTTTATTAGAAGTGTAGAATAAGTTCCCATCTTGTCTTCTAAGCTTTCAGGTT[C>T]CCAGGGTGTACTAGTGTATATGATTCCCAAAAATATTTCACACTGTGAAACTGAAATTGT-3'
Protein context (NP_689916.2, residues 946-966): LGIIYTSTPW[Glu956Lys]PESLEDKMGT